The following is an entry in ClinVar:

ClinVar aggregate classification (germline): Uncertain significance (1 of 4 stars; one submission).

gnomAD v4.1: 3 of 1,606,224 alleles (0.00019%); highest among the groups gnomAD compares: Non-Finnish European, 0.00026%; no homozygotes.

Submission:

Women's Health and Genetics/Laboratory Corporation of America, LabCorp
Classification: Uncertain significance. Last evaluated: 2025-01-13. Review status: criteria provided, single submitter. Criteria: LabCorp Variant Classification Summary - May 2015. Collection method: clinical testing. Allele origin: germline.
Comment: Variant summary: TTN c.61109A>T (p.Lys20370Met) results in a non-conservative amino acid change located in the A-band domain of the encoded protein sequence. Three of four in-silico tools predict a damaging effect of the variant on protein function. The variant was absent in 243258 control chromosomes (gnomAD). The available data on variant occurrences in the general population are insufficient to allow any conclusion about variant significance. To our knowledge, no occurrence of c.61109A>T in individuals affected with Autosomal Recessive Titinopathy and no experimental evidence demonstrating its impact on protein function have been reported. No submitters have cited clinical-significance assessments for this variant to ClinVar. Based on the evidence outlined above, the variant was classified as uncertain significance.

NM_001267550.2(TTN):c.68813A>T (p.Lys22938Met)

Genes: TTN (titin; minus strand), TTN-AS1 (TTN antisense RNA 1; plus strand). Cytogenetic location: 2q31.2.
Variant type: single nucleotide variant.
Coding change: c.68813A>T on transcript NM_001267550.2 (MANE Select); coding-DNA position 68813, A replaced by T.
Protein change: p.Lys22938Met; replaces lysine 22938 with methionine.
Molecular consequence: missense variant.
Genome position (GRCh38, 1-based): chr2:178,577,613, T>A on the plus strand (A>T on the coding strand, the complement: TTN is on the minus strand). VCF-style: chr2-178577613-T-A. GRCh37 (hg19) VCF-style: chr2-179442340-T-A.
Other names: c.63890A>T, p.Lys21297Met (NM_001256850.1); c.41618A>T, p.Lys13873Met (NM_003319.4); c.61109A>T, p.Lys20370Met (NM_133378.4); c.41993A>T, p.Lys13998Met (NM_133432.3); c.42194A>T, p.Lys14065Met (NM_133437.4); short protein forms K13873M, K13998M, K14065M, K20370M, K21297M, K22938M.
Identifiers: ClinVar variation 3769134 (VCV003769134.2).
Genomic context (GRCh38, chr2:178,577,613, plus strand): 5'-CTTAATTTGCTTTAAAAAAAAAAGTACATAAAAAGTAAAATGGACCTACCGTATTCATCC[T>A]TGCAAATAATGGTTTCTGTACTTTCTGATGGAGCACTGATAGCACCTGCTGTATTCTTTG-3'
Protein context (NP_001254479.2, residues 22928-22948): PSESTETIIC[Lys22938Met]DEYEAPTIVL